The following is an entry in ClinVar:

NM_002427.4(MMP13):c.637G>A (p.Gly213Ser)

Gene: MMP13 (matrix metallopeptidase 13; minus strand). Cytogenetic location: 11q22.2.
Variant type: single nucleotide variant.
Coding change: c.637G>A on transcript NM_002427.4 (MANE Select); coding-DNA position 637, G replaced by A.
Protein change: p.Gly213Ser; replaces glycine 213 with serine.
Molecular consequence: missense variant.
Genome position (GRCh38, 1-based): chr11:102,954,156, C>T on the plus strand (G>A on the coding strand, the complement: MMP13 is on the minus strand). VCF-style: chr11-102954156-C-T. GRCh37 (hg19) VCF-style: chr11-102824885-C-T.
Other names: short protein forms G213S.
Identifiers: ClinVar variation 1479080 (VCV001479080.6), dbSNP rs2134521859, ClinGen allele CA382230180.

ClinVar aggregate classification (germline): Uncertain significance (1 of 4 stars; one submission).

Allele frequency attached by ClinVar (database versions not stated): gnomAD 0.00001.
gnomAD v4.1: 1 of 1,613,220 alleles (0.000062%); highest among the groups gnomAD compares: Non-Finnish European, 0.000085%; no homozygotes.

Submission:

Labcorp Genetics (formerly Invitae), Labcorp
Classification: Uncertain significance. Last evaluated: 2022-09-13. Review status: criteria provided, single submitter. Criteria: Invitae Variant Classification Sherloc (09022015). Collection method: clinical testing. Allele origin: germline.
Comment: This variant has not been reported in the literature in individuals affected with MMP13-related conditions. This sequence change replaces glycine, which is neutral and non-polar, with serine, which is neutral and polar, at codon 213 of the MMP13 protein (p.Gly213Ser). This variant also falls at the last nucleotide of exon 4, which is part of the consensus splice site for this exon. This variant is not present in population databases (gnomAD no frequency). ClinVar contains an entry for this variant (Variation ID: 1479080). Algorithms developed to predict the effect of missense changes on protein structure and function are either unavailable or do not agree on the potential impact of this missense change (SIFT: "Deleterious"; PolyPhen-2: "Probably Damaging"; Align-GVGD: "Class C0"). Variants that disrupt the consensus splice site are a relatively common cause of aberrant splicing (PMID: 17576681, 9536098). Algorithms developed to predict the effect of sequence changes on RNA splicing suggest that this variant may disrupt the consensus splice site. In summary, the available evidence is currently insufficient to determine the role of this variant in disease. Therefore, it has been classified as a Variant of Uncertain Significance.

Literature cited by the submitters: PubMed 17576681; PubMed 9536098.